The following is an entry in ClinVar:

NM_000426.4(LAMA2):c.8703+4A>C

Gene: LAMA2 (laminin subunit alpha 2; plus strand). Cytogenetic location: 6q22.33.
Variant type: single nucleotide variant.
Coding change: c.8703+4A>C on transcript NM_000426.4 (MANE Select); 4 bases into the intron after coding-DNA position 8703, A replaced by C.
Molecular consequence: intron variant.
Genome position (GRCh38, 1-based): chr6:129,505,359, A>C. VCF-style: chr6-129505359-A-C. GRCh37 (hg19) VCF-style: chr6-129826504-A-C.
Other names: c.8691+4A>C (NM_001079823.2).
Identifiers: ClinVar variation 2150808 (VCV002150808.4), dbSNP rs754662873, ClinGen allele CA3994893.

ClinVar aggregate classification (germline): Uncertain significance. Review status: criteria provided, multiple submitters, no conflicts (2 of 4 stars). 2 submissions from 2 submitters: Uncertain significance (2). Last evaluated 2024-11-04.

Conditions:
LAMA2-related muscular dystrophy (LAMA2-RD). Also called: Laminin alpha 2-related dystrophy. Identifiers: MedGen C5679788, MONDO:0100228.

Allele frequency attached by ClinVar (database versions not stated): gnomAD exomes below 0.00001; TOPMed below 0.00001; ExAC 0.00001.
gnomAD v4.1: 2 of 1,609,004 alleles (0.00012%); highest among the groups gnomAD compares: Admixed American, 0.0033%; no homozygotes.

Submissions (2):

Women's Health and Genetics/Laboratory Corporation of America, LabCorp
Classification: Uncertain significance. Last evaluated: 2024-11-04. Review status: criteria provided, single submitter. Criteria: LabCorp Variant Classification Summary - May 2015. Collection method: clinical testing. Allele origin: germline.

Labcorp Genetics (formerly Invitae), Labcorp
Classification: Uncertain significance for LAMA2-related muscular dystrophy. Last evaluated: 2024-03-14. Review status: criteria provided, single submitter. Criteria: Invitae Variant Classification Sherloc (09022015). Collection method: clinical testing. Allele origin: germline.
Comment: This sequence change falls in intron 61 of the LAMA2 gene. It does not directly change the encoded amino acid sequence of the LAMA2 protein. It affects a nucleotide within the consensus splice site. This variant is present in population databases (rs754662873, gnomAD 0.003%). This variant has not been reported in the literature in individuals affected with LAMA2-related conditions. ClinVar contains an entry for this variant (Variation ID: 2150808). Variants that disrupt the consensus splice site are a relatively common cause of aberrant splicing (PMID: 17576681, 9536098). Algorithms developed to predict the effect of sequence changes on RNA splicing suggest that this variant may disrupt the consensus splice site. In summary, the available evidence is currently insufficient to determine the role of this variant in disease. Therefore, it has been classified as a Variant of Uncertain Significance.

Literature cited by the submitters: PubMed 17576681 (cited by Labcorp Genetics (formerly Invitae), Labcorp); PubMed 9536098 (cited by Labcorp Genetics (formerly Invitae), Labcorp).